The following is an entry in ClinVar:

ClinVar aggregate classification (germline): Pathogenic (1 of 4 stars; one submission).

Submission:

Labcorp Genetics (formerly Invitae), Labcorp
Classification: Pathogenic. Last evaluated: 2025-09-03. Review status: criteria provided, single submitter. Criteria: Invitae Variant Classification Sherloc (09022015). Collection method: clinical testing. Allele origin: germline.
Comment: This sequence change creates a premature translational stop signal (p.Glu305*) in the FAM161A gene. It is expected to result in an absent or disrupted protein product. Loss-of-function variants in FAM161A are known to be pathogenic (PMID: 20705278, 20705279, 24651477). This variant is not present in population databases (gnomAD no frequency). This variant has not been reported in the literature in individuals affected with FAM161A-related conditions. ClinVar contains an entry for this variant (Variation ID: 2019722). For these reasons, this variant has been classified as Pathogenic.

Literature cited by the submitters: PubMed 20705278; PubMed 20705279; PubMed 24651477.

NM_001201543.2(FAM161A):c.913G>T (p.Glu305Ter)

Gene: FAM161A (FAM161 centrosomal protein A; minus strand). Cytogenetic location: 2p15.
Variant type: single nucleotide variant.
Coding change: c.913G>T on transcript NM_001201543.2 (MANE Select); coding-DNA position 913, G replaced by T.
Protein change: p.Glu305Ter; replaces glutamic acid 305 with a stop codon.
Molecular consequence: nonsense. On other transcripts: non-coding transcript variant (1).
Genome position (GRCh38, 1-based): chr2:61,840,091, C>A on the plus strand (G>T on the coding strand, the complement: FAM161A is on the minus strand). VCF-style: chr2-61840091-C-A. GRCh37 (hg19) VCF-style: chr2-62067226-C-A.
Other names: c.913G>T, p.Glu305Ter (NM_032180.3); short protein forms E305*.
Identifiers: ClinVar variation 2019722 (VCV002019722.4), dbSNP rs1672953502, ClinGen allele CA346987843.